The following is an entry in ClinVar:

NM_002234.4(KCNA5):c.797C>T (p.Thr266Ile)

Gene: KCNA5 (potassium voltage-gated channel subfamily A member 5; plus strand). Cytogenetic location: 12p13.32.
Variant type: single nucleotide variant.
Coding change: c.797C>T on transcript NM_002234.4 (MANE Select); coding-DNA position 797, C replaced by T.
Protein change: p.Thr266Ile; replaces threonine 266 with isoleucine.
Molecular consequence: missense variant.
Genome position (GRCh38, 1-based): chr12:5,044,944, C>T. VCF-style: chr12-5044944-C-T. GRCh37 (hg19) VCF-style: chr12-5154110-C-T.
Other names: short protein forms T266I.
Identifiers: ClinVar variation 579528 (VCV000579528.30), dbSNP rs369750762, ClinGen allele CA6399717.

ClinVar aggregate classification (germline): Conflicting classifications of pathogenicity. Review status: criteria provided, conflicting classifications (1 of 4 stars). 4 submissions from 4 submitters: Uncertain significance (2); Likely benign (2). Last evaluated 2026-08-24.

Conditions:
Atrial fibrillation, familial, 7 (ATFB7). Identifiers: MedGen C2677106, MONDO:0012828, OMIM 612240.

Allele frequency attached by ClinVar (database versions not stated): ESP Exome Variant Server 0.00008; gnomAD 0.00010 and 0.00012; TOPMed 0.00011; gnomAD exomes 0.00012 and 0.00042; ExAC 0.00013.

Submissions (4):

GeneDx
Classification: Uncertain significance. Last evaluated: 2026-08-24. Review status: criteria provided, single submitter. Criteria: GeneDx Variant Classification Process June 2021. Collection method: clinical testing. Allele origin: germline.
Comment: Has not been previously published as pathogenic or benign to our knowledge; In silico analysis suggests that this missense variant does not alter protein structure/function

Labcorp Genetics (formerly Invitae), Labcorp
Classification: Likely benign for Atrial fibrillation, familial, 7. Last evaluated: 2025-12-01. Review status: criteria provided, single submitter. Criteria: Invitae Variant Classification Sherloc (09022015). Collection method: clinical testing. Allele origin: germline.

Blueprint Genetics
Classification: Likely benign. Last evaluated: 2023-10-25. Review status: criteria provided, single submitter. Criteria: ACMG Guidelines, 2015. Collection method: clinical testing. Allele origin: germline.

Fulgent Genetics
Classification: Uncertain significance for Atrial fibrillation, familial, 7. Last evaluated: 2018-10-31. Review status: criteria provided, single submitter. Criteria: ACMG Guidelines, 2015. Collection method: clinical testing. Allele origin: unknown.